The following is an entry in ClinVar:

NM_001042413.2(GLIS3):c.2338C>T (p.Arg780Trp)

Gene: GLIS3 (GLIS family zinc finger 3; minus strand). Cytogenetic location: 9p24.2.
Variant type: single nucleotide variant.
Coding change: c.2338C>T on transcript NM_001042413.2 (MANE Select); coding-DNA position 2338, C replaced by T.
Protein change: p.Arg780Trp; replaces arginine 780 with tryptophan.
Molecular consequence: missense variant.
Genome position (GRCh38, 1-based): chr9:3,856,144, G>A on the plus strand (C>T on the coding strand, the complement: GLIS3 is on the minus strand). VCF-style: chr9-3856144-G-A. GRCh37 (hg19) VCF-style: chr9-3856144-G-A.
Other names: c.1873C>T, p.Arg625Trp (NM_152629.4); short protein forms R625W, R780W.
Identifiers: ClinVar variation 1708744 (VCV001708744.2), dbSNP rs537966660, ClinGen allele CA4967825.

ClinVar aggregate classification (germline): Uncertain significance (1 of 4 stars; one submission).

Allele frequency attached by ClinVar (database versions not stated): gnomAD 0.00001; TOPMed 0.00002; 1000 Genomes Project 30x 0.00016; 1000 Genomes Project 0.00020.
gnomAD v4.1: 35 of 1,614,090 alleles (0.0022%); highest among the groups gnomAD compares: Non-Finnish European, 0.0024%; no homozygotes.

Submission:

GeneDx
Classification: Uncertain significance. Last evaluated: 2022-04-08. Review status: criteria provided, single submitter. Criteria: GeneDx Variant Classification Process June 2021. Collection method: clinical testing. Allele origin: germline. Affected: yes.
Comment: Has not been previously published as pathogenic or benign to our knowledge; In silico analysis supports that this missense variant does not alter protein structure/function